The following is an entry in ClinVar:

ClinVar aggregate classification (germline): Pathogenic (1 of 4 stars; one submission).

Submission:

Labcorp Genetics (formerly Invitae), Labcorp
Classification: Pathogenic. Last evaluated: 2023-09-25. Review status: criteria provided, single submitter. Criteria: Invitae Variant Classification Sherloc (09022015). Collection method: clinical testing. Allele origin: germline.
Comment: This sequence change creates a premature translational stop signal (p.Pro557Tyrfs*7) in the POLE gene. It is expected to result in an absent or disrupted protein product. Loss-of-function variants in POLE are known to be pathogenic (PMID: 23230001, 25948378, 30503519). This variant is not present in population databases (gnomAD no frequency). This variant has not been reported in the literature in individuals affected with POLE-related conditions. ClinVar contains an entry for this variant (Variation ID: 1922056). For these reasons, this variant has been classified as Pathogenic.

Literature cited by the submitters: PubMed 23230001; PubMed 25948378; PubMed 30503519.

NM_006231.4(POLE):c.1668_1669insTA (p.Pro557fs)

Gene: POLE (DNA polymerase epsilon, catalytic subunit; minus strand). Cytogenetic location: 12q24.33.
Variant type: Insertion.
Coding change: c.1668_1669insTA on transcript NM_006231.4 (MANE Select); coding-DNA positions 1668 to 1669, TA inserted.
Protein change: p.Pro557fs; shifts the reading frame from proline 557.
Molecular consequence: frameshift variant.
Genome position: GRCh38 VCF-style: chr12-132672644-G-GTA. GRCh37 (hg19) VCF-style: chr12-133249230-G-GTA.
Other names: short protein forms P557fs.
Identifiers: ClinVar variation 1922056 (VCV001922056.5), dbSNP rs2542133713, ClinGen allele CA2580085997.